The following is an entry in ClinVar:

NM_000384.3(APOB):c.10354C>G (p.Pro3452Ala)

Gene: APOB (apolipoprotein B; minus strand). Cytogenetic location: 2p24.1.
Variant type: single nucleotide variant.
Coding change: c.10354C>G on transcript NM_000384.3 (MANE Select); coding-DNA position 10354, C replaced by G.
Protein change: p.Pro3452Ala; replaces proline 3452 with alanine.
Molecular consequence: missense variant.
Genome position (GRCh38, 1-based): chr2:21,006,514, G>C on the plus strand (C>G on the coding strand, the complement: APOB is on the minus strand). VCF-style: chr2-21006514-G-C. GRCh37 (hg19) VCF-style: chr2-21229386-G-C.
Other names: short protein forms P3452A.
Identifiers: ClinVar variation 1772187 (VCV001772187.5), dbSNP rs747215447, ClinGen allele CA043283.
Genomic context (GRCh38, chr2:21,006,514, plus strand): 5'-TAGAGTACAGCATTGAAGAATTGAAATCATACTTAAATTCCATGGAGGAAGAGACAGTAG[G>C]TTTTGACTTGGTATTTCCATTAAGTTCTTGCTTGAAATTCATTCTCAAAATTGGAATTTG-3'
Protein context (NP_000375.3, residues 3442-3462): QELNGNTKSK[Pro3452Ala]TVSSSMEFKY

ClinVar aggregate classification (germline): Uncertain significance. Review status: criteria provided, multiple submitters, no conflicts (2 of 4 stars). 3 submissions from 3 submitters: Uncertain significance (3). Last evaluated 2026-03-07.

Conditions:
Cardiovascular phenotype. Identifiers: MedGen CN230736.
Familial hypobetalipoproteinemia 1. Also called: APOB-Related Familial Hypobetalipoproteinemia; Hypobetalipoproteinemia, normotriglyceridemic; Acanthocytosis with hypobetalipoproteinemia. Identifiers: MedGen C4551990, MONDO:0014252, OMIM 615558.
Hypercholesterolemia, autosomal dominant, type B (FHCL2). Also called: HYPERCHOLESTEROLEMIA, FAMILIAL, DUE TO LIGAND-DEFECTIVE APOLIPOPROTEIN B; Hyperlipoproteinemia Type IIb; Familial Hypercholesterolemia Type B; APOLIPOPROTEIN B-100, FAMILIAL DEFECTIVE; APOLIPOPROTEIN B-100, FAMILIAL LIGAND-DEFECTIVE; Familial hypercholesterolemia 2. Identifiers: MedGen C1704417, MONDO:0007751, OMIM 144010.

Allele frequency attached by ClinVar (database versions not stated): ExAC 0.00001; gnomAD exomes below 0.00001.
gnomAD v4.1: 8 of 1,614,008 alleles (0.0005%); highest among the groups gnomAD compares: Non-Finnish European, 0.00068%; no homozygotes.

Submissions (3):

GeneDx
Classification: Uncertain significance. Last evaluated: 2026-03-07. Review status: criteria provided, single submitter. Criteria: GeneDx Variant Classification Process June 2021. Collection method: clinical testing. Allele origin: germline.
Comment: Not observed at significant frequency in large population cohorts (gnomAD); In silico analysis supports that this missense variant has a deleterious effect on protein structure/function; Has not been previously published as pathogenic or benign to our knowledge

Labcorp Genetics (formerly Invitae), Labcorp
Classification: Uncertain significance for Familial hypobetalipoproteinemia 1; Hypercholesterolemia, autosomal dominant, type B. Last evaluated: 2025-10-17. Review status: criteria provided, single submitter. Criteria: Invitae Variant Classification Sherloc (09022015). Collection method: clinical testing. Allele origin: germline.
Comment: This sequence change replaces proline, which is neutral and non-polar, with alanine, which is neutral and non-polar, at codon 3452 of the APOB protein (p.Pro3452Ala). This variant is present in population databases (rs747215447, gnomAD 0.002%). This variant has not been reported in the literature in individuals affected with APOB-related conditions. ClinVar contains an entry for this variant (Variation ID: 1772187). Invitae Evidence Modeling of protein sequence and biophysical properties (such as structural, functional, and spatial information, amino acid conservation, physicochemical variation, residue mobility, and thermodynamic stability) has been performed for this missense variant. However, the output from this modeling did not meet the statistical confidence thresholds required to predict the impact of this variant on APOB protein function. In summary, the available evidence is currently insufficient to determine the role of this variant in disease. Therefore, it has been classified as a Variant of Uncertain Significance.

Ambry Genetics
Classification: Uncertain significance for Cardiovascular phenotype. Last evaluated: 2025-05-21. Review status: criteria provided, single submitter. Criteria: Ambry Variant Classification Scheme 2023. Collection method: clinical testing. Allele origin: germline.